The following is an entry in ClinVar:

NM_014727.3(KMT2B):c.1249C>T (p.Leu417Phe)

Gene: KMT2B (lysine methyltransferase 2B; plus strand). Cytogenetic location: 19q13.12.
Variant type: single nucleotide variant.
Coding change: c.1249C>T on transcript NM_014727.3 (MANE Select); coding-DNA position 1249, C replaced by T.
Protein change: p.Leu417Phe; replaces leucine 417 with phenylalanine.
Molecular consequence: missense variant.
Genome position (GRCh38, 1-based): chr19:35,720,596, C>T. VCF-style: chr19-35720596-C-T. GRCh37 (hg19) VCF-style: chr19-36211498-C-T.
Other names: short protein forms L417F.
Identifiers: ClinVar variation 3390731 (VCV003390731.1).

ClinVar aggregate classification (germline): Uncertain significance (1 of 4 stars; one submission).

gnomAD v4.1: 1 of 1,503,200 alleles (0.000067%); highest among the groups gnomAD compares: Non-Finnish European, 0.000089%; no homozygotes.

Submission:

GeneDx
Classification: Uncertain significance. Last evaluated: 2024-06-12. Review status: criteria provided, single submitter. Criteria: GeneDx Variant Classification Process June 2021. Collection method: clinical testing. Allele origin: germline. Affected: yes.
Comment: Not observed at significant frequency in large population cohorts (gnomAD); In silico analysis indicates that this missense variant does not alter protein structure/function; Has not been previously published as pathogenic or benign to our knowledge